The following is an entry in ClinVar:

ClinVar aggregate classification (germline): Likely benign. Review status: criteria provided, multiple submitters, no conflicts (2 of 4 stars). 5 submissions from 5 submitters: Likely benign (5). Last evaluated 2026-09-01.

Conditions:
Cardiovascular phenotype. Identifiers: MedGen CN230736.
Hypertrophic cardiomyopathy 10. Also called: CARDIOMYOPATHY, HYPERTROPHIC, MID-LEFT VENTRICULAR CHAMBER TYPE, 2; MYL2-Related Familial Hypertrophic Cardiomyopathy. Identifiers: MedGen C1834460, MONDO:0012112, OMIM 608758.
Hypertrophic cardiomyopathy. Also called: HYPERTROPHIC MYOCARDIOPATHY. Identifiers: Orphanet 217569, MedGen C0007194, MeSH D002312, MONDO:0005045, HP:0001639.
Cardiomyopathy (CMYO). Also called: Cardiomyopathies. Identifiers: Orphanet 167848, MedGen C0878544, MONDO:0004994, HP:0001638. Inheritance: Various modes of inheritance.

Allele frequency attached by ClinVar (database versions not stated): gnomAD exomes below 0.00001 and 0.00001; ExAC 0.00001.
gnomAD v4.1: 4 of 1,614,106 alleles (0.00025%); highest among the groups gnomAD compares: Non-Finnish European, 0.00034%; no homozygotes.

Submissions (5):

CeGaT Center for Human Genetics Tuebingen
Classification: Likely benign. Last evaluated: 2026-09-01. Review status: criteria provided, single submitter. Criteria: CeGaT Center For Human Genetics Tuebingen Variant Classification Criteria Version 2. Collection method: clinical testing. Allele origin: germline. Affected: yes. Observed: 1 variant allele.
Comment: MYL2: BP4, BP7

Labcorp Genetics (formerly Invitae), Labcorp
Classification: Likely benign for Hypertrophic cardiomyopathy 10. Last evaluated: 2025-12-20. Review status: criteria provided, single submitter. Criteria: Invitae Variant Classification Sherloc (09022015). Collection method: clinical testing. Allele origin: germline.

All of Us Research Program, National Institutes of Health
Classification: Likely benign for Hypertrophic cardiomyopathy. Last evaluated: 2023-10-02. Review status: criteria provided, single submitter. Criteria: ACMG Guidelines, 2015. Collection method: clinical testing. Allele origin: germline. Inheritance: Autosomal dominant inheritance. Observed: 1 variant allele, 1 heterozygote.
Comment: This study involves interpretation of variants in research participants for the purpose of population health screening. Participant phenotype was not available at the time of variant classification. Additional details can be found in publication PMID: 35346344, PMCID: PMC8962531

Ambry Genetics
Classification: Likely benign for Cardiovascular phenotype. Last evaluated: 2021-11-03. Review status: criteria provided, single submitter. Criteria: Ambry Variant Classification Scheme 2023. Collection method: clinical testing. Allele origin: germline.

Color Diagnostics, LLC DBA Color Health
Classification: Likely benign for Cardiomyopathy. Last evaluated: 2018-09-28. Review status: criteria provided, single submitter. Criteria: ACMG Guidelines, 2015. Collection method: clinical testing. Allele origin: germline.

NM_000432.4(MYL2):c.156C>A (p.Thr52=)

Gene: MYL2 (myosin light chain 2; minus strand). Cytogenetic location: 12q24.11.
Variant type: single nucleotide variant.
Coding change: c.156C>A on transcript NM_000432.4 (MANE Select); coding-DNA position 156, C replaced by A.
Protein change: p.Thr52=; no amino-acid change (threonine 52 retained).
Molecular consequence: synonymous variant.
Genome position (GRCh38, 1-based): chr12:110,915,728, G>T on the plus strand (C>A on the coding strand, the complement: MYL2 is on the minus strand). VCF-style: chr12-110915728-G-T. GRCh37 (hg19) VCF-style: chr12-111353532-G-T.
Identifiers: ClinVar variation 629405 (VCV000629405.17), dbSNP rs761358011, ClinGen allele CA040161.